The following is an entry in ClinVar:

ClinVar aggregate classification (germline): Uncertain significance. Review status: criteria provided, multiple submitters, no conflicts (2 of 4 stars). 2 submissions from 2 submitters: Uncertain significance (2). Last evaluated 2023-12-08.

Conditions:
Hereditary cancer-predisposing syndrome. Also called: Neoplastic Syndromes, Hereditary; Tumor predisposition; Hereditary neoplastic syndrome; Hereditary Cancer Syndrome. Identifiers: Orphanet 140162, MedGen C0027672, MeSH D009386, MONDO:0015356.
Hereditary breast ovarian cancer syndrome. Also called: Hereditary breast and/or ovarian cancer syndrome; BRCA1- and BRCA2-Associated Hereditary Breast and Ovarian Cancer; Hereditary breast and ovarian cancer syndrome; Hereditary breast and ovarian cancer; Hereditary breast and ovarian cancer syndrome (HBOC); Breast and ovarian cancer. Identifiers: Orphanet 145, MedGen C0677776, MeSH D061325, MONDO:0003582. Disease mechanism: loss of function.

Submissions (2):

Labcorp Genetics (formerly Invitae), Labcorp
Classification: Uncertain significance for Hereditary breast ovarian cancer syndrome. Last evaluated: 2023-12-08. Review status: criteria provided, single submitter. Criteria: Invitae Variant Classification Sherloc (09022015). Collection method: clinical testing. Allele origin: germline.
Comment: This sequence change replaces valine, which is neutral and non-polar, with methionine, which is neutral and non-polar, at codon 1808 of the BRCA1 protein (p.Val1808Met). This variant is not present in population databases (gnomAD no frequency). This variant has not been reported in the literature in individuals affected with BRCA1-related conditions. ClinVar contains an entry for this variant (Variation ID: 2450691). Advanced modeling of protein sequence and biophysical properties (such as structural, functional, and spatial information, amino acid conservation, physicochemical variation, residue mobility, and thermodynamic stability) has been performed at Invitae for this missense variant, however the output from this modeling did not meet the statistical confidence thresholds required to predict the impact of this variant on BRCA1 protein function. In summary, the available evidence is currently insufficient to determine the role of this variant in disease. Therefore, it has been classified as a Variant of Uncertain Significance.

Ambry Genetics
Classification: Uncertain significance for Hereditary cancer-predisposing syndrome. Last evaluated: 2023-02-15. Review status: criteria provided, single submitter. Criteria: Ambry Variant Classification Scheme 2023. Collection method: clinical testing. Allele origin: germline.
Comment: The p.V1808M variant (also known as c.5422G>A), located in coding exon 21 of the BRCA1 gene, results from a G to A substitution at nucleotide position 5422. The valine at codon 1808 is replaced by methionine, an amino acid with highly similar properties. This amino acid position is conserved. In addition, the in silico prediction for this alteration is inconclusive. Since supporting evidence is limited at this time, the clinical significance of this alteration remains unclear.

NM_007294.4(BRCA1):c.5422G>A (p.Val1808Met)

Gene: BRCA1 (BRCA1 DNA repair associated; minus strand). Cytogenetic location: 17q21.31.
Variant type: single nucleotide variant.
Coding change: c.5422G>A on transcript NM_007294.4 (MANE Select); coding-DNA position 5422, G replaced by A.
Protein change: p.Val1808Met; replaces valine 1808 with methionine.
Molecular consequence: missense variant.
Genome position (GRCh38, 1-based): chr17:43,047,688, C>T on the plus strand (G>A on the coding strand, the complement: BRCA1 is on the minus strand). VCF-style: chr17-43047688-C-T. GRCh37 (hg19) VCF-style: chr17-41199705-C-T.
Other names: c.5086G>A, p.Val1696Met (NM_001407952.1, NM_001407953.1, NM_001407954.1 and 3 more transcripts); c.5038G>A, p.Val1680Met (NM_001407962.1, NM_001407960.1); c.5083G>A, p.Val1695Met (NM_001407957.1, NM_001407958.1, NM_001407956.1); c.5041G>A, p.Val1681Met (NM_001407959.1); c.5416G>A, p.Val1806Met (NM_001407633.1, NM_001407634.1, NM_001407635.1 and 13 more transcripts); c.5413G>A, p.Val1805Met (NM_001407644.1, NM_001407645.1); c.5410G>A, p.Val1804Met (NM_001407646.1); c.5407G>A, p.Val1803Met (NM_001407647.1); and 83 more; short protein forms C1742Y, C679Y, V1511M, V1718M, V1719M, V1736M, V1739M, V1741M.
Identifiers: ClinVar variation 2450691 (VCV002450691.5), dbSNP rs1555574756, ClinGen allele CA10590603.
Genomic context (GRCh38, chr17:43,047,688, plus strand): 5'-ATGCAGGCACCTTACCATGGAAGCCATTGTCCTCTGTCCAGGCATCTGGCTGCACAACCA[C>T]AATTGGGTGGACACCCTGGATCCCCAGGAAGGAAAGAGCATTCAAAGTGTCAAAGTAGGA-3'
Protein context (NP_009225.1, residues 1798-1818): FTLGTGVHPI[Val1808Met]VVQPDAWTED